The following is an entry in ClinVar:

NM_213599.3(ANO5):c.791C>G (p.Pro264Arg)

Gene: ANO5 (anoctamin 5; plus strand). Cytogenetic location: 11p14.3.
Variant type: single nucleotide variant.
Coding change: c.791C>G on transcript NM_213599.3 (MANE Select); coding-DNA position 791, C replaced by G.
Protein change: p.Pro264Arg; replaces proline 264 with arginine.
Molecular consequence: missense variant.
Genome position (GRCh38, 1-based): chr11:22,239,597, C>G. VCF-style: chr11-22239597-C-G. GRCh37 (hg19) VCF-style: chr11-22261143-C-G.
Other names: c.788C>G, p.Pro263Arg (NM_001142649.2); c.749C>G, p.Pro250Arg (NM_001410963.1); c.746C>G, p.Pro249Arg (NM_001410964.1); short protein forms P249R, P250R, P263R, P264R.
Identifiers: ClinVar variation 2439131 (VCV002439131.6), dbSNP rs2494206268, ClinGen allele CA379920428.

ClinVar aggregate classification (germline): Uncertain significance. Review status: criteria provided, multiple submitters, no conflicts (2 of 4 stars). 2 submissions from 2 submitters: Uncertain significance (2). Last evaluated 2022-12-02.

Conditions:
Gnathodiaphyseal dysplasia (GDD). Also called: GNATHODIAPHYSEAL SCLEROSIS; OSTEOGENESIS IMPERFECTA WITH UNUSUAL SKELETAL LESIONS. Identifiers: Orphanet 53697, MedGen C1833736, MONDO:0008151, OMIM 166260.
Autosomal recessive limb-girdle muscular dystrophy type 2L (LGMDR12). Also called: Limb-girdle muscular dystrophy, type 2L; Limb-Girdle Muscular Dystrophy R12 Anoctamin-5-Related (LGMD-R12); MUSCULAR DYSTROPHY, LIMB-GIRDLE, AUTOSOMAL RECESSIVE 12. Identifiers: Orphanet 206549, MedGen C1969785, MONDO:0012652, OMIM 611307.

Allele frequency attached by ClinVar (database versions not stated): gnomAD exomes below 0.00001.
gnomAD v4.1: 2 of 1,612,778 alleles (0.00012%); highest among the groups gnomAD compares: Non-Finnish European, 0.00017%; no homozygotes.

Submissions (2):

Labcorp Genetics (formerly Invitae), Labcorp
Classification: Uncertain significance for Autosomal recessive limb-girdle muscular dystrophy type 2L; Gnathodiaphyseal dysplasia. Last evaluated: 2022-12-02. Review status: criteria provided, single submitter. Criteria: Invitae Variant Classification Sherloc (09022015). Collection method: clinical testing. Allele origin: germline.
Comment: In summary, the available evidence is currently insufficient to determine the role of this variant in disease. Therefore, it has been classified as a Variant of Uncertain Significance. Advanced modeling of protein sequence and biophysical properties (such as structural, functional, and spatial information, amino acid conservation, physicochemical variation, residue mobility, and thermodynamic stability) performed at Invitae indicates that this missense variant is not expected to disrupt ANO5 protein function. This variant has not been reported in the literature in individuals affected with ANO5-related conditions. This variant is not present in population databases (gnomAD no frequency). This sequence change replaces proline, which is neutral and non-polar, with arginine, which is basic and polar, at codon 264 of the ANO5 protein (p.Pro264Arg).

Revvity Omics, Revvity
Classification: Uncertain significance. Last evaluated: 2021-07-01. Review status: criteria provided, single submitter. Criteria: ACMG Guidelines, 2015. Collection method: clinical testing. Allele origin: germline.